The following is an entry in ClinVar:

NM_024408.4(NOTCH2):c.1615A>G (p.Thr539Ala)

Gene: NOTCH2 (notch receptor 2; minus strand). Cytogenetic location: 1p12.
Variant type: single nucleotide variant.
Coding change: c.1615A>G on transcript NM_024408.4 (MANE Select); coding-DNA position 1615, A replaced by G.
Protein change: p.Thr539Ala; replaces threonine 539 with alanine.
Molecular consequence: missense variant.
Genome position (GRCh38, 1-based): chr1:119,965,519, T>C on the plus strand (A>G on the coding strand, the complement: NOTCH2 is on the minus strand). VCF-style: chr1-119965519-T-C. GRCh37 (hg19) VCF-style: chr1-120508142-T-C.
Other names: c.1615A>G, p.Thr539Ala (NM_001200001.2); short protein forms T539A.
Identifiers: ClinVar variation 2754711 (VCV002754711.3), dbSNP rs2526296460, ClinGen allele CA341875319.

ClinVar aggregate classification (germline): Uncertain significance (1 of 4 stars; one submission).

Conditions:
Hajdu-Cheney syndrome (HJCYS). Also called: SERPENTINE FIBULA-POLYCYSTIC KIDNEY SYNDROME; ACROOSTEOLYSIS WITH OSTEOPOROSIS AND CHANGES IN SKULL AND MANDIBLE; Acroosteolysis dominant type. Identifiers: Orphanet 955, MedGen C0917715, MONDO:0007057, OMIM 102500.

Submission:

Labcorp Genetics (formerly Invitae), Labcorp
Classification: Uncertain significance for Hajdu-Cheney syndrome. Last evaluated: 2023-08-23. Review status: criteria provided, single submitter. Criteria: Invitae Variant Classification Sherloc (09022015). Collection method: clinical testing. Allele origin: germline.
Comment: In summary, the available evidence is currently insufficient to determine the role of this variant in disease. Therefore, it has been classified as a Variant of Uncertain Significance. Advanced modeling of protein sequence and biophysical properties (such as structural, functional, and spatial information, amino acid conservation, physicochemical variation, residue mobility, and thermodynamic stability) performed at Invitae indicates that this missense variant is not expected to disrupt NOTCH2 protein function. This variant has not been reported in the literature in individuals affected with NOTCH2-related conditions. This variant is not present in population databases (gnomAD no frequency). This sequence change replaces threonine, which is neutral and polar, with alanine, which is neutral and non-polar, at codon 539 of the NOTCH2 protein (p.Thr539Ala).